The following is an entry in ClinVar:

NM_018685.5(ANLN):c.580A>G (p.Thr194Ala)

Gene: ANLN (anillin, actin binding protein; plus strand). Cytogenetic location: 7p14.2.
Variant type: single nucleotide variant.
Coding change: c.580A>G on transcript NM_018685.5 (MANE Select); coding-DNA position 580, A replaced by G.
Protein change: p.Thr194Ala; replaces threonine 194 with alanine.
Molecular consequence: missense variant.
Genome position (GRCh38, 1-based): chr7:36,406,273, A>G. VCF-style: chr7-36406273-A-G. GRCh37 (hg19) VCF-style: chr7-36445882-A-G.
Other names: c.580A>G, p.Thr194Ala (NM_001284301.3, NM_001284302.3); short protein forms T194A.
Identifiers: ClinVar variation 1511394 (VCV001511394.6), dbSNP rs2116573554, ClinGen allele CA367206674.
Genomic context (GRCh38, chr7:36,406,273, plus strand): 5'-ATGCCATCAGAGGAAAAGGCTGCTTCCCCTCCCAGACCTCTGCTTTCAAATGCCTCGGCA[A>G]CTCCAGTTGGCAGAAGGGGCCGTCTGGCCAATCTTGCTGCAACTATTTGCTCCTGGGAAG-3'
Protein context (NP_061155.2, residues 184-204): PRPLLSNASA[Thr194Ala]PVGRRGRLAN

ClinVar aggregate classification (germline): Uncertain significance (1 of 4 stars; one submission).

gnomAD v4.1: 2 of 1,614,144 alleles (0.00012%); highest among the groups gnomAD compares: African/African-American, 0.0027%; no homozygotes.

Submission:

Labcorp Genetics (formerly Invitae), Labcorp
Classification: Uncertain significance. Last evaluated: 2023-12-01. Review status: criteria provided, single submitter. Criteria: Invitae Variant Classification Sherloc (09022015). Collection method: clinical testing. Allele origin: germline.
Comment: This sequence change replaces threonine, which is neutral and polar, with alanine, which is neutral and non-polar, at codon 194 of the ANLN protein (p.Thr194Ala). This variant is not present in population databases (gnomAD no frequency). This variant has not been reported in the literature in individuals affected with ANLN-related conditions. ClinVar contains an entry for this variant (Variation ID: 1511394). Algorithms developed to predict the effect of missense changes on protein structure and function output the following: SIFT: "Not Available"; PolyPhen-2: "Benign"; Align-GVGD: "Not Available". The alanine amino acid residue is found in multiple mammalian species, which suggests that this missense change does not adversely affect protein function. In summary, the available evidence is currently insufficient to determine the role of this variant in disease. Therefore, it has been classified as a Variant of Uncertain Significance.